The following is an entry in ClinVar:

NM_004431.5(EPHA2):c.2708G>T (p.Gly903Val)

Gene: EPHA2 (EPH receptor A2; minus strand). Cytogenetic location: 1p36.13.
Variant type: single nucleotide variant.
Coding change: c.2708G>T on transcript NM_004431.5 (MANE Select); coding-DNA position 2708, G replaced by T.
Protein change: p.Gly903Val; replaces glycine 903 with valine.
Molecular consequence: missense variant.
Genome position (GRCh38, 1-based): chr1:16,129,551, C>A on the plus strand (G>T on the coding strand, the complement: EPHA2 is on the minus strand). VCF-style: chr1-16129551-C-A. GRCh37 (hg19) VCF-style: chr1-16456046-C-A.
Other names: c.2546G>T, p.Gly849Val (NM_001329090.2); short protein forms G849V, G903V.
Identifiers: ClinVar variation 3667140 (VCV003667140.2).
Genomic context (GRCh38, chr1:16,129,551, plus strand): 5'-TCCGTATACTGCTGCATCTTGATGGACTCCAGCCACTCGGACACCGTGCGGAAGGGCACC[C>A]CCTCCGAGCCGCTCGTGCTGGGGAGCCGGATAGACACGCTGCAACAGGAAGCACTGCAGG-3'
Protein context (NP_004422.2, residues 893-913): IRLPSTSGSE[Gly903Val]VPFRTVSEWL

ClinVar aggregate classification (germline): Uncertain significance (1 of 4 stars; one submission).

Conditions:
Cataract 6 multiple types. Also called: CATARACT, AGE-RELATED CORTICAL, 2; CATARACT 6, POSTERIOR POLAR; CATARACT 6, CONGENITAL TOTAL. Identifiers: Orphanet 91492, MedGen C1861825, MONDO:0007288, OMIM 116600.

gnomAD v4.1: 8 of 1,612,828 alleles (0.0005%); highest among the groups gnomAD compares: Admixed American, 0.01%; no homozygotes.

Submission:

Labcorp Genetics (formerly Invitae), Labcorp
Classification: Uncertain significance for Cataract 6 multiple types. Last evaluated: 2025-06-03. Review status: criteria provided, single submitter. Criteria: Invitae Variant Classification Sherloc (09022015). Collection method: clinical testing. Allele origin: germline.
Comment: This sequence change replaces glycine, which is neutral and non-polar, with valine, which is neutral and non-polar, at codon 903 of the EPHA2 protein (p.Gly903Val). This variant is not present in population databases (gnomAD no frequency). This variant has not been reported in the literature in individuals affected with EPHA2-related conditions. ClinVar contains an entry for this variant (Variation ID: 3667140). Invitae Evidence Modeling of protein sequence and biophysical properties (such as structural, functional, and spatial information, amino acid conservation, physicochemical variation, residue mobility, and thermodynamic stability) indicates that this missense variant is not expected to disrupt EPHA2 protein function with a negative predictive value of 80%. In summary, the available evidence is currently insufficient to determine the role of this variant in disease. Therefore, it has been classified as a Variant of Uncertain Significance.